The following is an entry in ClinVar:

NM_198253.3(TERT):c.2177C>T (p.Thr726Met)

Gene: TERT (telomerase reverse transcriptase; minus strand). Cytogenetic location: 5p15.33.
Variant type: single nucleotide variant.
Coding change: c.2177C>T on transcript NM_198253.3 (MANE Select); coding-DNA position 2177, C replaced by T.
Protein change: p.Thr726Met; replaces threonine 726 with methionine.
Molecular consequence: missense variant. On other transcripts: non-coding transcript variant (2).
Genome position (GRCh38, 1-based): chr5:1,278,750, G>A on the plus strand (C>T on the coding strand, the complement: TERT is on the minus strand). VCF-style: chr5-1278750-G-A. GRCh37 (hg19) VCF-style: chr5-1278865-G-A.
Other names: c.2177C>T, p.Thr726Met (NM_001193376.3); short protein forms T726M.
Identifiers: ClinVar variation 39111 (VCV000039111.27), dbSNP rs149566858, ClinGen allele CA343442.

ClinVar aggregate classification (germline): Conflicting classifications of pathogenicity. Review status: criteria provided, conflicting classifications (1 of 4 stars). 11 submissions from 11 submitters: Uncertain significance (9); Likely benign (1). 1 of the submissions does not count toward it. Last evaluated 2026-06-23.

Conditions:
Dyskeratosis congenita, autosomal dominant 2. Identifiers: MedGen C3151443, MONDO:0013521, OMIM 613989.
Idiopathic Pulmonary Fibrosis. Also called: Idiopathic fibrosing alveolitis, chronic form; idiopathic fibrosing alveolitis. Identifiers: Orphanet 2032, MedGen C1800706, MeSH D054990, MONDO:0800504.
TERT-related disorder. Also called: TERT-related condition; TERT-related disorders.
Pulmonary fibrosis and/or bone marrow failure, Telomere-related, 1. Also called: PULMONARY FIBROSIS AND/OR BONE MARROW FAILURE SYNDROME, TELOMERE-RELATED, 1. Identifiers: Orphanet 88, MedGen C3553617, MONDO:0013878, OMIM 614742.
Melanoma, cutaneous malignant, susceptibility to, 9. Also called: Cutaneous malignant melanoma 9. Identifiers: Orphanet 618, MedGen C3554574, MONDO:0014056, OMIM 615134.
Acute myeloid leukemia (AML). Also called: Acute myeloid leukemia, adult; AML adult; Acute non-lymphocytic leukemia; Acute granulocytic leukemia; Leukemia, acute myeloid, somatic; Leukemia, acute myelogenous, somatic. Identifiers: Orphanet 519, MedGen C0023467, MeSH D015470, MONDO:0018874, OMIM 601626, HP:0004808. Disease mechanism: Constitutively activated FLT3.
Dyskeratosis congenita. Identifiers: Orphanet 1775, MedGen C0265965, MONDO:0015780.
Interstitial lung disease 2 (ILD2). Also called: FIBROCYSTIC PULMONARY DYSPLASIA; FIBROSING ALVEOLITIS, CRYPTOGENIC; Familial idiopathic pulmonary fibrosis. Identifiers: Orphanet 2032, Orphanet 79126, MedGen C5561926, MONDO:0800497, OMIM 178500, MONDO:0800029.
Dyskeratosis congenita, autosomal dominant 1 (DKCA1). Also called: Dyskeratosis congenita Scoggins type. Identifiers: Orphanet 1775, MedGen C4551974, MONDO:0007485, OMIM 127550. Inheritance: Variable.

Allele frequency attached by ClinVar (database versions not stated): ExAC 0.00005; TOPMed 0.00005; gnomAD 0.00007 and 0.00006; gnomAD exomes 0.00010 and 0.00005; ESP Exome Variant Server 0.00031.

Submissions (11):

PreventionGenetics, part of Exact Sciences
Classification: Uncertain significance for TERT-related condition. Last evaluated: 2026-06-23. Review status: criteria provided, single submitter. Criteria: ACMG Guidelines, 2015. Collection method: clinical testing. Allele origin: germline.
Comment: The TERT c.2177C>T variant is predicted to result in the amino acid substitution p.Thr726Met. This variant has been reported in an individual with aplastic anemia, an individual with cirrhosis, alcoholism, and advanced hepatocellular carcinoma, an individual with emphysema who was a smoker, and an individual with dyskeratosis congenita (Liang et al. 2006. PubMed ID: 16627250; Table 2, Donaires. 2017. PubMed ID: 28813500; Table 3,  Stanley. 2015. PubMed ID: 25562321; Table 2, Yamaguchi. 2015. PubMed ID: 26329388). Experimental studies provide conflicting evidence regarding the impact of this variant on telomerase activity (Figure 2, Donaires. 2017. PubMed ID: 28813500; Table 1, Gramatges et al. 2013. PubMed ID: 23538340;  Stanley. 2015. PubMed ID: 25562321; Table 1, Zaug. 2013. PubMed ID: 23901009). This variant is reported in 0.010% of alleles in individuals of European (Non-Finnish) descent in gnomAD and has conflicting interpretations of likely benign and uncertain significance in ClinVar (Variation ID: 39111). At this time, the clinical significance of this variant is uncertain due to the absence of conclusive functional and genetic evidence.

Labcorp Genetics (formerly Invitae), Labcorp
Classification: Likely benign for Dyskeratosis congenita, autosomal dominant 2; Idiopathic Pulmonary Fibrosis. Last evaluated: 2025-07-30. Review status: criteria provided, single submitter. Criteria: Invitae Variant Classification Sherloc (09022015). Collection method: clinical testing. Allele origin: germline.

Ambry Genetics
Classification: Uncertain significance for Dyskeratosis congenita. Last evaluated: 2025-01-18. Review status: criteria provided, single submitter. Criteria: Ambry Variant Classification Scheme 2023. Collection method: clinical testing. Allele origin: germline.
Comment: The p.T726M variant (also known as c.2177C>T), located in coding exon 6 of the TERT gene, results from a C to T substitution at nucleotide position 2177. The threonine at codon 726 is replaced by methionine, an amino acid with similar properties. This variant was reported in individual(s) with features consistent with TERT-related disorder (Liang J et al. Haematologica, 2006 May;91:656-8; Yamaguchi H et al. Int J Hematol, 2015 Nov;102:544-52; Stanley SE et al. J Clin Invest, 2015 Feb;125:563-70; Gurnari C et al. Hematol Oncol, 2022 Oct;40:812-817; Janczar S et al. Pediatr Blood Cancer, 2022 Oct;69:e29909). The majority of functional studies suggest this variant does not have a significant impact on telomerase activity; however, the physiological relevance of this finding is unclear (Xin ZT et al. Blood, 2007 Jan;109:524-32; Zaug AJ et al. Nucleic Acids Res, 2013 Oct;41:8969-78; Stanley SE et al. J Clin Invest, 2015 Feb;125:563-70; Chu TW et al. J Biol Chem, 2016 Apr;291:8374-86; Donaires FS et al. PLoS One, 2017 Aug;12:e0183287). This amino acid position is poorly conserved in available vertebrate species. In addition, the in silico prediction for this alteration is inconclusive. Based on the available evidence, the clinical significance of this variant remains unclear.

Fulgent Genetics
Classification: Uncertain significance for Acute myeloid leukemia; Dyskeratosis congenita, autosomal dominant 2; Pulmonary fibrosis and/or bone marrow failure, Telomere-related, 1; Melanoma, cutaneous malignant, susceptibility to, 9. Last evaluated: 2024-04-04. Review status: criteria provided, single submitter. Criteria: ACMG Guidelines, 2015. Collection method: clinical testing. Allele origin: germline.

Blueprint Genetics
Classification: Uncertain significance. Last evaluated: 2023-10-18. Review status: criteria provided, single submitter. Criteria: ACMG Guidelines, 2015. Collection method: clinical testing. Allele origin: germline.

Baylor Genetics
Classification: Uncertain significance for Dyskeratosis congenita, autosomal dominant 2. Last evaluated: 2023-10-15. Review status: criteria provided, single submitter. Criteria: ACMG Guidelines, 2015. Collection method: clinical testing. Allele origin: unknown.

GeneDx
Classification: Uncertain significance. Last evaluated: 2023-08-23. Review status: criteria provided, single submitter. Criteria: GeneDx Variant Classification Process June 2021. Collection method: clinical testing. Allele origin: germline. Affected: yes.
Comment: In silico analysis supports that this missense variant does not alter protein structure/function; This variant is associated with the following publications: (PMID: 32487952, 32150348, 25562321, 23426163, 23901009, 26329388, 28813500, 26887940, 16990594, 21176016, 21323862, 17825470, 22775985, 35927969, 23716176, 16627250, 23538340, 36649908, 35106810)

Revvity Omics, Revvity
Classification: Uncertain significance. Last evaluated: 2021-03-31. Review status: criteria provided, single submitter. Criteria: ACMG Guidelines, 2015. Collection method: clinical testing. Allele origin: germline.

Genetic Services Laboratory, University of Chicago
Classification: Uncertain significance. Last evaluated: 2020-04-24. Review status: criteria provided, single submitter. Criteria: ACMG Guidelines, 2015. Collection method: clinical testing. Allele origin: germline. Affected: no.
Comment: DNA sequence analysis of the TERT gene demonstrated a sequence change, c.2177C>T, in exon 6 that results in an amino acid change, p.Thr726Met. This sequence change has been described in the gnomAD database with a frequency of 0.01% in the European sub-population (dbSNP rs149566858). The p.Thr726Met change has been reported in individuals with aplastic anemia, dyskeratosis congenita, Hoyeraal Hreidarsson syndrome, and emphysema (PMID: 16627250, 25562321, 23538340, 26329388). This sequence change has also been identified in the unaffected parent of an individual with aplastic anemia (PMID: 16627250). The p.Thr726Met change affects a poorly conserved amino acid residue located in a domain of the TERT protein that is known to be functional. The p.Thr726Met substitution appears to be benign using several in-silico pathogenicity prediction tools (SIFT, PolyPhen2, Align GVGD, REVEL). Some studies have demonstrated that the p.Thr726Met change does not significantly impact telomerase enzyme activity (PMID: 26887940, 23901009, 16990594), while others have reported impaired enzyme activity in presence of this variant (PMID: 25562321, 28813500). Due to these contrasting evidences and the lack of functional studies, the clinical significance of the p.Thr726Met change remains unknown at this time.

Mendelics
Classification: Uncertain significance for Interstitial lung disease 2. Last evaluated: 2019-05-28. Review status: criteria provided, single submitter. Criteria: Mendelics Assertion Criteria 2017. Collection method: clinical testing. Allele origin: unknown.

GeneReviews
No classification provided. Condition: Dyskeratosis congenita, autosomal dominant 1. Review status: no classification provided. Collection method: literature only. Allele origin: unknown. Not counted in ClinVar's aggregate classification.

Literature cited by the submitters: PubMed 16627250 (cited by Ambry Genetics); PubMed 16990594 (cited by Ambry Genetics); PubMed 23901009 (cited by Ambry Genetics); PubMed 25562321 (cited by Ambry Genetics); PubMed 26329388 (cited by Ambry Genetics); PubMed 26887940 (cited by Ambry Genetics); PubMed 28813500 (cited by Ambry Genetics); PubMed 35106810 (cited by Ambry Genetics); PubMed 35927969 (cited by Ambry Genetics); PubMed 20301779 (cited by GeneReviews); NCBI Bookshelf NBK22301 (cited by GeneReviews).